The following is an entry in ClinVar:

NM_000233.4(LHCGR):c.993T>A (p.Tyr331Ter)

Genes: STON1-GTF2A1L (STON1-GTF2A1L readthrough; plus strand), LHCGR (luteinizing hormone/choriogonadotropin receptor; minus strand). Cytogenetic location: 2p16.3.
Variant type: single nucleotide variant.
Coding change: c.993T>A on transcript NM_000233.4 (MANE Select); coding-DNA position 993, T replaced by A.
Protein change: p.Tyr331Ter; replaces tyrosine 331 with a stop codon.
Molecular consequence: nonsense. On other transcripts: intron variant (1).
Genome position (GRCh38, 1-based): chr2:48,688,804, A>T on the plus strand (T>A on the coding strand, the complement: LHCGR is on the minus strand). VCF-style: chr2-48688804-A-T. GRCh37 (hg19) VCF-style: chr2-48915943-A-T.
Other names: c.3441+17124A>T (NM_001198593.2); short protein forms Y331*.
Identifiers: ClinVar variation 2431959 (VCV002431959.1), dbSNP rs1680042817, ClinGen allele CA346750296.

ClinVar aggregate classification (germline): Likely pathogenic (1 of 4 stars; one submission).

Conditions:
Leydig cell agenesis. Also called: LEYDIG CELL HYPOPLASIA WITH MALE PSEUDOHERMAPHRODITISM; LEYDIG CELL HYPOPLASIA, COMPLETE; HYPERGONADOTROPIC HYPOGONADISM, MALE, DUE TO LHCGR DEFECT; Leydig cell hypoplasia, type 1. Identifiers: MedGen C0266432, MONDO:0009384, OMIM 238320.

Submission:

Laboratorio de Genetica e Diagnostico Molecular, Hospital Israelita Albert Einstein
Classification: Likely pathogenic for Leydig cell agenesis. Last evaluated: 2022-07-15. Review status: criteria provided, single submitter. Criteria: ACMG Guidelines, 2015. Collection method: clinical testing. Allele origin: germline. Affected: yes. Observed: 1 variant allele.
Comment: ACMG classification criteria: PVS1 strong, PM2 moderated